The following is an entry in ClinVar:

NM_015294.6(TRIM37):c.609_610dup (p.Leu204fs)

Gene: TRIM37 (tripartite motif containing 37; minus strand). Cytogenetic location: 17q22.
Variant type: Microsatellite.
Coding change: c.609_610dup on transcript NM_015294.6 (MANE Select); coding-DNA positions 609 to 610, 2 bases duplicated (AC; older notation c.609_610dupAC).
Protein change: p.Leu204fs; shifts the reading frame from leucine 204.
Molecular consequence: frameshift variant. On other transcripts: 5 prime UTR variant (1), non-coding transcript variant (2).
Genome position (GRCh38, 1-based): chr17:59,079,760-59,079,761, GT duplicated on the plus strand (AC on the coding strand, the reverse complement: TRIM37 is on the minus strand); duplicating any 2 consecutive bases within chr17:59,079,760-59,079,763 gives the same sequence; the c. name uses the placement nearest the transcript's 3' end. VCF-style (leftmost placement, unchanged base first): chr17-59079759-A-AGT. GRCh37 (hg19) VCF-style: chr17-57157120-A-AGT.
Other names: c.609_610dup, p.Leu204fs (NM_001005207.5, NM_001320988.3, NM_001320989.3 and 2 more transcripts); c.507_508dup, p.Leu170fs (NM_001320987.3, NM_001353082.2); c.243_244dup, p.Leu82fs (NM_001320990.3); c.-146AC[3] (NM_001353083.2); c.147_148dup, p.Leu50fs (NM_001353085.2); short protein forms L170fs, L50fs, L204fs, L82fs.
Identifiers: ClinVar variation 2717561 (VCV002717561.4), dbSNP rs2546075421, ClinGen allele CA2697560231.
Genomic context (GRCh38, chr17:59,079,759, plus strand): 5'-AATCTCAAAGAAGCTGAAAGCACCAGGTACCCCAGCAGCATACATAAACACTTACCCATC[A>AGT]GTGTTATAAGCTTATTCTTCAGCTGTGTGTCTAACCGTGCAATCATCATCTCCACTGCAT-3'

ClinVar aggregate classification (germline): Pathogenic/Likely pathogenic. Review status: criteria provided, multiple submitters, no conflicts (2 of 4 stars). 2 submissions from 2 submitters: Pathogenic (1); Likely pathogenic (1). Last evaluated 2024-06-19.

Conditions:
Mulibrey nanism syndrome. Also called: MUSCLE-LIVER-BRAIN-EYE NANISM; PERHEENTUPA SYNDROME; PERICARDIAL CONSTRICTION AND GROWTH FAILURE. Identifiers: Orphanet 2576, MedGen C0524582, MONDO:0009664, OMIM 253250.

Submissions (2):

Fulgent Genetics
Classification: Likely pathogenic for Mulibrey nanism syndrome. Last evaluated: 2024-06-19. Review status: criteria provided, single submitter. Criteria: ACMG Guidelines, 2015. Collection method: clinical testing. Allele origin: germline.

Labcorp Genetics (formerly Invitae), Labcorp
Classification: Pathogenic. Last evaluated: 2023-06-16. Review status: criteria provided, single submitter. Criteria: Invitae Variant Classification Sherloc (09022015). Collection method: clinical testing. Allele origin: germline.
Comment: This sequence change creates a premature translational stop signal (p.Leu204Hisfs*2) in the TRIM37 gene. It is expected to result in an absent or disrupted protein product. Loss-of-function variants in TRIM37 are known to be pathogenic (PMID: 10888877, 15108285). This variant is not present in population databases (gnomAD no frequency). This variant has not been reported in the literature in individuals affected with TRIM37-related conditions. For these reasons, this variant has been classified as Pathogenic.

Literature cited by the submitters: PubMed 10888877 (cited by Labcorp Genetics (formerly Invitae), Labcorp); PubMed 15108285 (cited by Labcorp Genetics (formerly Invitae), Labcorp).